The following is an entry in ClinVar:

NM_001378328.1(CELSR1):c.8979C>T (p.Asn2993=)

Gene: CELSR1 (cadherin EGF LAG seven-pass G-type receptor 1; minus strand). Cytogenetic location: 22q13.31.
Variant type: single nucleotide variant.
Coding change: c.8979C>T on transcript NM_001378328.1 (MANE Select); coding-DNA position 8979, C replaced by T.
Protein change: p.Asn2993=; no amino-acid change (asparagine 2993 retained).
Molecular consequence: synonymous variant.
Genome position (GRCh38, 1-based): chr22:46,364,052, G>A on the plus strand (C>T on the coding strand, the complement: CELSR1 is on the minus strand). VCF-style: chr22-46364052-G-A. GRCh37 (hg19) VCF-style: chr22-46759949-G-A.
Other names: c.8979C>T, p.Asn2993= (NM_014246.4).
Identifiers: ClinVar variation 3046159 (VCV003046159.10), dbSNP rs141868181, ClinGen allele CA10292563.
Genomic context (GRCh38, chr22:46,364,052, plus strand): 5'-TCACTCAGAGTCGGAGCCATCGGCCTGGGCGCTCCCAGTGCGCACATTCATGGCCACCCC[G>A]TTGAGGTGGTCACGCCCCGGCTCCCTCCCAGGGCTCTTGACTGTGATGGCGCAGTCGGGG-3'
Protein context (NP_001365257.1, residues 2983-3003): PGREPGRDHL[Asn2993=]GVAMNVRTGS

ClinVar aggregate classification (germline): Likely benign. Review status: criteria provided, multiple submitters, no conflicts (2 of 4 stars). 3 submissions from 3 submitters: Likely benign (2). 1 of the submissions does not count toward it. Last evaluated 2025-09-01.

Conditions:
CELSR1-related disorder. Also called: CELSR1-related condition.

Allele frequency attached by ClinVar (database versions not stated): TOPMed 0.00193; 1000 Genomes Project 0.00200; 1000 Genomes Project 30x 0.00203; gnomAD 0.00222; ESP Exome Variant Server 0.00278; gnomAD exomes 0.00302; ExAC 0.00326.
gnomAD v4.1: 4,673 of 1,612,120 alleles (0.29%); highest among the groups gnomAD compares: East Asian, 0.61%; 13 homozygotes.

Submissions (3):

CeGaT Center for Human Genetics Tuebingen
Classification: Likely benign. Last evaluated: 2025-09-01. Review status: criteria provided, single submitter. Criteria: CeGaT Center For Human Genetics Tuebingen Variant Classification Criteria Version 2. Collection method: clinical testing. Allele origin: germline. Affected: yes. Observed: 1 variant allele.
Comment: CELSR1: BP4, BP7, BS2

Blueprint Genetics
Classification: Likely benign. Last evaluated: 2024-11-21. Review status: criteria provided, single submitter. Criteria: ACMG Guidelines, 2015. Collection method: clinical testing. Allele origin: germline.

PreventionGenetics, part of Exact Sciences
Classification: Likely benign for CELSR1-related condition. Last evaluated: 2019-11-21. Review status: no assertion criteria provided. Collection method: clinical testing. Allele origin: germline. Not counted in ClinVar's aggregate classification.
Comment: This variant is classified as likely benign based on ACMG/AMP sequence variant interpretation guidelines (Richards et al. 2015 PMID: 25741868, with internal and published modifications).